The following is an entry in ClinVar:

ClinVar aggregate classification (germline): Uncertain significance (1 of 4 stars; one submission).

Conditions:
COG5-congenital disorder of glycosylation. Also called: CONGENITAL DISORDER OF GLYCOSYLATION, TYPE IIi; COG5-CDG; CDG IIi. Identifiers: Orphanet 263487, MedGen C3150876, MONDO:0013325, OMIM 613612.

Allele frequency attached by ClinVar (database versions not stated): ExAC 0.00001.

Submission:

Labcorp Genetics (formerly Invitae), Labcorp
Classification: Uncertain significance for COG5-congenital disorder of glycosylation. Last evaluated: 2023-10-03. Review status: criteria provided, single submitter. Criteria: Invitae Variant Classification Sherloc (09022015). Collection method: clinical testing. Allele origin: germline.
Comment: This sequence change replaces arginine, which is basic and polar, with glycine, which is neutral and non-polar, at codon 113 of the COG5 protein (p.Arg113Gly). This variant is present in population databases (rs764103819, gnomAD 0.006%). This variant has not been reported in the literature in individuals affected with COG5-related conditions. ClinVar contains an entry for this variant (Variation ID: 1995711). An algorithm developed to predict the effect of missense changes on protein structure and function (PolyPhen-2) suggests that this variant is likely to be disruptive. In summary, the available evidence is currently insufficient to determine the role of this variant in disease. Therefore, it has been classified as a Variant of Uncertain Significance.

NM_006348.5(COG5):c.244A>G (p.Arg82Gly)

Gene: COG5 (component of oligomeric golgi complex 5; minus strand). Cytogenetic location: 7q22.3.
Variant type: single nucleotide variant.
Coding change: c.244A>G on transcript NM_006348.5 (MANE Select); coding-DNA position 244, A replaced by G.
Protein change: p.Arg82Gly; replaces arginine 82 with glycine.
Molecular consequence: missense variant. On other transcripts: intron variant (1).
Genome position (GRCh38, 1-based): chr7:107,554,333, T>C on the plus strand (A>G on the coding strand, the complement: COG5 is on the minus strand). VCF-style: chr7-107554333-T-C. GRCh37 (hg19) VCF-style: chr7-107194778-T-C.
Other names: c.244A>G, p.Arg82Gly (NM_001161520.2, NM_001379511.1, NM_001379512.1 and 4 more transcripts); c.234+3643A>G (NM_001379516.1); short protein forms R82G.
Identifiers: ClinVar variation 1995711 (VCV001995711.4), dbSNP rs764103819, ClinGen allele CA4431482.